The following is an entry in ClinVar:

ClinVar aggregate classification (germline): Uncertain significance. Review status: criteria provided, multiple submitters, no conflicts (2 of 4 stars). 2 submissions from 2 submitters: Uncertain significance (2). Last evaluated 2024-09-04.

Conditions:
Spastic paraplegia. Identifiers: MedGen C0037772, HP:0001258.
Inborn genetic diseases. Identifiers: MedGen C0950123, MeSH D030342.

Allele frequency attached by ClinVar (database versions not stated): gnomAD 0.00001.
gnomAD v4.1: 1 of 1,614,076 alleles (0.000062%); highest among the groups gnomAD compares: Non-Finnish European, 0.000085%; no homozygotes.

Submissions (2):

Ambry Genetics
Classification: Uncertain significance for Inborn genetic diseases. Last evaluated: 2024-09-04. Review status: criteria provided, single submitter. Criteria: Ambry Variant Classification Scheme 2023. Collection method: clinical testing. Allele origin: germline.

Labcorp Genetics (formerly Invitae), Labcorp
Classification: Uncertain significance for Spastic paraplegia. Last evaluated: 2022-07-09. Review status: criteria provided, single submitter. Criteria: Invitae Variant Classification Sherloc (09022015). Collection method: clinical testing. Allele origin: germline.
Comment: This sequence change replaces glutamic acid, which is acidic and polar, with glycine, which is neutral and non-polar, at codon 2417 of the ZFYVE26 protein (p.Glu2417Gly). This variant is present in population databases (no rsID available, gnomAD 0.007%). This variant has not been reported in the literature in individuals affected with ZFYVE26-related conditions. Algorithms developed to predict the effect of missense changes on protein structure and function output the following: SIFT: "Deleterious"; PolyPhen-2: "Benign"; Align-GVGD: "Class C0". The glycine amino acid residue is found in multiple mammalian species, which suggests that this missense change does not adversely affect protein function. In summary, the available evidence is currently insufficient to determine the role of this variant in disease. Therefore, it has been classified as a Variant of Uncertain Significance.

NM_015346.4(ZFYVE26):c.7250A>G (p.Glu2417Gly)

Gene: ZFYVE26 (zinc finger FYVE-type containing 26; minus strand). Cytogenetic location: 14q24.1.
Variant type: single nucleotide variant.
Coding change: c.7250A>G on transcript NM_015346.4 (MANE Select); coding-DNA position 7250, A replaced by G.
Protein change: p.Glu2417Gly; replaces glutamic acid 2417 with glycine.
Molecular consequence: missense variant.
Genome position (GRCh38, 1-based): chr14:67,752,465, T>C on the plus strand (A>G on the coding strand, the complement: ZFYVE26 is on the minus strand). VCF-style: chr14-67752465-T-C. GRCh37 (hg19) VCF-style: chr14-68219182-T-C.
Other names: c.7250A>G (NM_015346.3); short protein forms E2417G.
Identifiers: ClinVar variation 2060702 (VCV002060702.2), dbSNP rs1480680936, ClinGen allele CA390158535.